The following is an entry in ClinVar:

NM_001370466.1(NOD2):c.1852C>A (p.Pro618Thr)

Gene: NOD2 (nucleotide binding oligomerization domain containing 2; plus strand). Cytogenetic location: 16q12.1.
Variant type: single nucleotide variant.
Coding change: c.1852C>A on transcript NM_001370466.1 (MANE Select); coding-DNA position 1852, C replaced by A.
Protein change: p.Pro618Thr; replaces proline 618 with threonine.
Molecular consequence: missense variant. On other transcripts: non-coding transcript variant (1).
Genome position (GRCh38, 1-based): chr16:50,711,844, C>A. VCF-style: chr16-50711844-C-A. GRCh37 (hg19) VCF-style: chr16-50745755-C-A.
Other names: c.1852C>A, p.Pro618Thr (NM_001293557.2); c.1933C>A, p.Pro645Thr (NM_022162.3); short protein forms P618T, P645T.
Identifiers: ClinVar variation 836006 (VCV000836006.3), dbSNP rs1228502653, ClinGen allele CA395870231.

ClinVar aggregate classification (germline): Uncertain significance (1 of 4 stars; one submission).

Conditions:
Blau syndrome (BLAUS). Also called: GRANULOMATOSIS, FAMILIAL JUVENILE SYSTEMIC; GRANULOMATOSIS, FAMILIAL, BLAU TYPE; GRANULOMATOUS INFLAMMATORY ARTHRITIS, DERMATITIS, AND UVEITIS, FAMILIAL; JABS SYNDROME; ARTHROCUTANEOUVEAL GRANULOMATOSIS. Identifiers: Orphanet 90340, MedGen C5201146, MONDO:0008523, OMIM 186580.
Regional enteritis. Also called: Enteritis, Granulomatous. Identifiers: MedGen C0678202, MeSH D003424.

Allele frequency attached by ClinVar (database versions not stated): gnomAD exomes below 0.00001; TOPMed below 0.00001.
gnomAD v4.1: 9 of 1,613,040 alleles (0.00056%); highest among the groups gnomAD compares: Non-Finnish European, 0.00076%; no homozygotes.

Submission:

Labcorp Genetics (formerly Invitae), Labcorp
Classification: Uncertain significance for Regional enteritis; Blau syndrome. Last evaluated: 2024-06-24. Review status: criteria provided, single submitter. Criteria: Invitae Variant Classification Sherloc (09022015). Collection method: clinical testing. Allele origin: germline.
Comment: This sequence change replaces proline, which is neutral and non-polar, with threonine, which is neutral and polar, at codon 645 of the NOD2 protein (p.Pro645Thr). This variant is present in population databases (no rsID available, gnomAD 0.003%). This variant has not been reported in the literature in individuals affected with NOD2-related conditions. ClinVar contains an entry for this variant (Variation ID: 836006). Advanced modeling of protein sequence and biophysical properties (such as structural, functional, and spatial information, amino acid conservation, physicochemical variation, residue mobility, and thermodynamic stability) performed at Invitae indicates that this missense variant is not expected to disrupt NOD2 protein function with a negative predictive value of 95%. In summary, the available evidence is currently insufficient to determine the role of this variant in disease. Therefore, it has been classified as a Variant of Uncertain Significance.